The following is an entry in ClinVar:

NM_006031.6(PCNT):c.1584G>A (p.Arg528=)

Gene: PCNT (pericentrin; plus strand). Cytogenetic location: 21q22.3.
Variant type: single nucleotide variant.
Coding change: c.1584G>A on transcript NM_006031.6 (MANE Select); coding-DNA position 1584, G replaced by A.
Protein change: p.Arg528=; no amino-acid change (arginine 528 retained).
Molecular consequence: synonymous variant.
Genome position (GRCh38, 1-based): chr21:46,353,231, G>A. VCF-style: chr21-46353231-G-A. GRCh37 (hg19) VCF-style: chr21-47773145-G-A.
Other names: c.1230G>A, p.Arg410= (NM_001315529.2).
Identifiers: ClinVar variation 4981319 (VCV004981319.1).

ClinVar aggregate classification (germline): Likely benign (1 of 4 stars; one submission).

Conditions:
PCNT-related disorder. Also called: PCNT-related condition.

gnomAD v4.1: 3 of 1,614,132 alleles (0.00019%); highest among the groups gnomAD compares: African/African-American, 0.0013%; no homozygotes.

Submission:

PreventionGenetics, part of Exact Sciences
Classification: Likely benign for PCNT-related condition. Last evaluated: 2025-05-13. Review status: criteria provided, single submitter. Criteria: ACMG Guidelines, 2015. Collection method: clinical testing. Allele origin: germline.
Comment: This variant is classified as likely benign based on ACMG/AMP sequence variant interpretation guidelines (Richards et al. 2015 PMID: 25741868, with internal and published modifications).